The following is an entry in ClinVar:

NM_000535.7(PMS2):c.669A>C (p.Ile223=)

Gene: PMS2 (PMS1 homolog 2, mismatch repair system component; minus strand). Cytogenetic location: 7p22.1.
Variant type: single nucleotide variant.
Coding change: c.669A>C on transcript NM_000535.7 (MANE Select); coding-DNA position 669, A replaced by C.
Protein change: p.Ile223=; no amino-acid change (isoleucine 223 retained).
Molecular consequence: synonymous variant. On other transcripts: 5 prime UTR variant (2), non-coding transcript variant (1), intron variant (1).
Genome position (GRCh38, 1-based): chr7:5,999,144, T>G on the plus strand (A>C on the coding strand, the complement: PMS2 is on the minus strand). VCF-style: chr7-5999144-T-G. GRCh37 (hg19) VCF-style: chr7-6038775-T-G.
Other names: c.264A>C, p.Ile88= (NM_001322003.2, NM_001322004.2, NM_001322005.2 and 2 more transcripts); c.669A>C, p.Ile223= (NM_001322006.2, NM_001322014.2); c.351A>C, p.Ile117= (NM_001322007.2, NM_001322008.2); c.-265A>C (NM_001322011.2, NM_001322012.2); c.360A>C, p.Ile120= (NM_001322015.2); c.133-1721A>C (NM_001322013.2); c.669A>C (NM_000535.5).
Identifiers: ClinVar variation 1149202 (VCV001149202.11), dbSNP rs2128799778, ClinGen allele CA453646817.

ClinVar aggregate classification (germline): Benign/Likely benign. Review status: criteria provided, multiple submitters, no conflicts (2 of 4 stars). 3 submissions from 3 submitters: Benign (1); Likely benign (2). Last evaluated 2025-01-27.

Conditions:
Hereditary nonpolyposis colorectal neoplasms. Identifiers: MedGen C0009405, MeSH D003123.
Hereditary cancer-predisposing syndrome. Also called: Tumor predisposition; Neoplastic Syndromes, Hereditary; Hereditary neoplastic syndrome; Hereditary Cancer Syndrome. Identifiers: Orphanet 140162, MedGen C0027672, MeSH D009386, MONDO:0015356.
Lynch syndrome 4 (LYNCH4). Also called: Hereditary non-polyposis colorectal cancer, type 4; Colorectal cancer, hereditary nonpolyposis, type 4. Identifiers: Orphanet 144, MedGen C1838333, MONDO:0013699, OMIM 614337. Disease mechanism: loss of function.

Submissions (3):

Myriad Genetics, Inc.
Classification: Benign for Lynch syndrome 4. Last evaluated: 2025-01-27. Review status: criteria provided, single submitter. Criteria: Myriad Autosomal Dominant, Autosomal Recessive and X-Linked Classification Criteria (2023). Collection method: clinical testing. Allele origin: unknown.
Comment: This variant is considered benign. This variant is a silent/synonymous amino acid change and it is not expected to impact splicing.

Ambry Genetics
Classification: Likely benign for Hereditary cancer-predisposing syndrome. Last evaluated: 2024-10-21. Review status: criteria provided, single submitter. Criteria: Ambry Variant Classification Scheme 2023. Collection method: clinical testing. Allele origin: germline.

Labcorp Genetics (formerly Invitae), Labcorp
Classification: Likely benign for Hereditary nonpolyposis colorectal neoplasms. Last evaluated: 2019-05-18. Review status: criteria provided, single submitter. Criteria: Invitae Variant Classification Sherloc (09022015). Collection method: clinical testing. Allele origin: germline.